The following is an entry in ClinVar:

NM_001042492.3(NF1):c.5731A>G (p.Ile1911Val)

Gene: NF1 (neurofibromin 1; plus strand). Cytogenetic location: 17q11.2.
Variant type: single nucleotide variant.
Coding change: c.5731A>G on transcript NM_001042492.3 (MANE Select); coding-DNA position 5731, A replaced by G.
Protein change: p.Ile1911Val; replaces isoleucine 1911 with valine.
Molecular consequence: missense variant.
Genome position (GRCh38, 1-based): chr17:31,330,417, A>G. VCF-style: chr17-31330417-A-G. GRCh37 (hg19) VCF-style: chr17-29657435-A-G.
Other names: c.5668A>G, p.Ile1890Val (NM_000267.4); short protein forms I1890V, I1911V.
Identifiers: ClinVar variation 185542 (VCV000185542.14), dbSNP rs146523293, ClinGen allele CA192222.

ClinVar aggregate classification (germline): Conflicting classifications of pathogenicity. Review status: criteria provided, conflicting classifications (1 of 4 stars). 5 submissions from 4 submitters: Uncertain significance (3); Likely benign (1). 1 of the submissions does not count toward it. Last evaluated 2026-01-26.

Conditions:
Cardiovascular phenotype. Identifiers: MedGen CN230736.
Hereditary cancer-predisposing syndrome. Also called: Tumor predisposition; Hereditary Cancer Syndrome; Hereditary neoplastic syndrome; Neoplastic Syndromes, Hereditary. Identifiers: Orphanet 140162, MedGen C0027672, MeSH D009386, MONDO:0015356.
NF1-related disorder. Also called: NF1-related condition. Identifiers: MedGen CN379171.
Neurofibromatosis, type 1 (NF1). Also called: VON RECKLINGHAUSEN DISEASE; NEUROFIBROMATOSIS, TYPE I, SOMATIC; Peripheral type neurofibromatosis; Neurofibromatosis, type I. Identifiers: Orphanet 636, MedGen C0027831, MONDO:0018975, OMIM 162200. Disease mechanism: loss of function.

Allele frequency attached by ClinVar (database versions not stated): gnomAD 0.00001; gnomAD exomes 0.00001; TOPMed 0.00001; ExAC 0.00002; ESP Exome Variant Server 0.00008.
gnomAD v4.1: 23 of 1,613,694 alleles (0.0014%); highest among the groups gnomAD compares: East Asian, 0.0022%; no homozygotes.

Submissions (5):

Labcorp Genetics (formerly Invitae), Labcorp
Classification: Likely benign for Neurofibromatosis, type 1. Last evaluated: 2026-01-26. Review status: criteria provided, single submitter. Criteria: Invitae Variant Classification Sherloc (09022015). Collection method: clinical testing. Allele origin: germline.

Ambry Genetics
Classification: Uncertain significance for Cardiovascular phenotype; Hereditary cancer-predisposing syndrome. Last evaluated: 2022-09-07. Review status: criteria provided, single submitter. Criteria: Ambry Variant Classification Scheme 2023. Collection method: clinical testing. Allele origin: germline.

Genome-Nilou Lab
Classification: Uncertain significance for Neurofibromatosis, type 1. Last evaluated: 2022-03-15. Review status: criteria provided, single submitter. Criteria: ACMG Guidelines, 2015. Collection method: clinical testing. Allele origin: germline. Affected: no.

Ambry Genetics
Classification: Uncertain significance for Hereditary cancer-predisposing syndrome. Last evaluated: 2015-10-09. Review status: criteria provided, single submitter. Criteria: Ambry Autosomal Dominant and X-Linked criteria (10/2015). Collection method: clinical testing. Allele origin: germline. Observed: 1 variant allele.
Comment: The p.I1911V variant (also known as c.5731A>G), located in coding exon 39 of the NF1 gene, results from an A to G substitution at nucleotide position 5731. The isoleucine at codon 1911 is replaced by valine, an amino acid with highly similar properties. This variant was previously reported in the SNPDatabase as rs146523293. Based on data from the NHLBI Exome Sequencing Project (ESP), the G allele has an overall frequency of approximately 0.01% (1/13006) total alleles studied and 0.01% (1/8600) European American alleles.<span style="background-color:initial">To date, this alteration has been detected with an allele frequency of approximately 0.005% (greater than 110000 alleles tested) in our clinical cohort. Based on protein sequence alignment, this amino acid position is highly conserved in available vertebrate species. In addition, this alteration is predicted to be deleterious by in silico analysis. Since supporting evidence is limited at this time, the clinical significance of p.I1911V remains unclear.

PreventionGenetics, part of Exact Sciences
Classification: Uncertain significance for NF1-related condition. Last evaluated: 2024-05-21. Review status: no assertion criteria provided. Collection method: clinical testing. Allele origin: germline. Not counted in ClinVar's aggregate classification.
Comment: The NF1 c.5731A>G variant is predicted to result in the amino acid substitution p.Ile1911Val. To our knowledge, this variant has not been reported in the literature. This variant is reported in 0.0050% of alleles in individuals of East Asian descent in gnomAD and has been interpreted as uncertain in ClinVar. At this time, the clinical significance of this variant is uncertain due to the absence of conclusive functional and genetic evidence.